The following is an entry in ClinVar:

ClinVar aggregate classification (germline): Uncertain significance. Review status: criteria provided, multiple submitters, no conflicts (2 of 4 stars). 2 submissions from 2 submitters: Uncertain significance (2). Last evaluated 2025-09-30.

Conditions:
Inborn genetic diseases. Identifiers: MedGen C0950123, MeSH D030342.

gnomAD v4.1: 7 of 1,613,878 alleles (0.00043%); highest among the groups gnomAD compares: Non-Finnish European, 0.00051%; no homozygotes.

Submissions (2):

Ambry Genetics
Classification: Uncertain significance for Inborn genetic diseases. Last evaluated: 2025-09-30. Review status: criteria provided, single submitter. Criteria: Ambry Variant Classification Scheme 2023. Collection method: clinical testing. Allele origin: germline.

Labcorp Genetics (formerly Invitae), Labcorp
Classification: Uncertain significance. Last evaluated: 2024-12-03. Review status: criteria provided, single submitter. Criteria: Invitae Variant Classification Sherloc (09022015). Collection method: clinical testing. Allele origin: germline.
Comment: This sequence change replaces isoleucine, which is neutral and non-polar, with methionine, which is neutral and non-polar, at codon 339 of the MYH3 protein (p.Ile339Met). This variant is present in population databases (no rsID available, gnomAD 0.002%). This variant has not been reported in the literature in individuals affected with MYH3-related conditions. Invitae Evidence Modeling of protein sequence and biophysical properties (such as structural, functional, and spatial information, amino acid conservation, physicochemical variation, residue mobility, and thermodynamic stability) indicates that this missense variant is not expected to disrupt MYH3 protein function with a negative predictive value of 95%. In summary, the available evidence is currently insufficient to determine the role of this variant in disease. Therefore, it has been classified as a Variant of Uncertain Significance.

NM_002470.4(MYH3):c.1017C>G (p.Ile339Met)

Gene: MYH3 (myosin heavy chain 3; minus strand). Cytogenetic location: 17p13.1.
Variant type: single nucleotide variant.
Coding change: c.1017C>G on transcript NM_002470.4 (MANE Select); coding-DNA position 1017, C replaced by G.
Protein change: p.Ile339Met; replaces isoleucine 339 with methionine.
Molecular consequence: missense variant.
Genome position (GRCh38, 1-based): chr17:10,645,831, G>C on the plus strand (C>G on the coding strand, the complement: MYH3 is on the minus strand). VCF-style: chr17-10645831-G-C. GRCh37 (hg19) VCF-style: chr17-10549148-G-C.
Other names: c.1017C>G (NM_002470.3); short protein forms I339M.
Identifiers: ClinVar variation 3616245 (VCV003616245.3).